The following is an entry in ClinVar:

ClinVar aggregate classification (germline): Benign. Review status: criteria provided, multiple submitters, no conflicts (2 of 4 stars). 2 submissions from 2 submitters: Benign (2). Last evaluated 2018-01-13.

Conditions:
Frontotemporal dementia and/or amyotrophic lateral sclerosis 1 (FTDALS1). Also called: Frontotemporal dementia with motor neuron disease 1; C9orf72 Frontotemporal Dementia and/or Amyotrophic Lateral Sclerosis. Identifiers: Orphanet 275872, MedGen C5779877, MONDO:0007105, OMIM 105550.

Allele frequency attached by ClinVar (database versions not stated): gnomAD 0.18576 and 0.18951; TOPMed 0.19066; 1000 Genomes Project 0.20807; 1000 Genomes Project 30x 0.20831; gnomAD exomes 0.22196.
gnomAD v4.1: 28,976 of 152,542 alleles (19%); highest among the groups gnomAD compares: East Asian, 30%; 3,023 homozygotes.

Submissions (2):

Illumina Laboratory Services, Illumina
Classification: Benign for Frontotemporal dementia and/or amyotrophic lateral sclerosis 1. Last evaluated: 2018-01-13. Review status: criteria provided, single submitter. Criteria: ICSL Variant Classification Criteria 13 December 2019. Collection method: clinical testing. Allele origin: germline.
Comment: This variant was observed in the ICSL laboratory as part of a predisposition screen in an ostensibly healthy population. It had not been previously curated by ICSL or reported in the Human Gene Mutation Database (HGMD: prior to June 1st, 2018), and was therefore a candidate for classification through an automated scoring system. Utilizing variant allele frequency, disease prevalence and penetrance estimates, and inheritance mode, an automated score was calculated to assess if this variant is too frequent to cause the disease. Based on the score and internal cut-off values, a variant classified as benign is not then subjected to further curation. The score for this variant resulted in a classification of benign for this disease.

Breakthrough Genomics
Classification: Benign. Review status: criteria provided, single submitter. Criteria: ACMG Guidelines, 2015. Collection method: not provided. Allele origin: germline. Inheritance: Autosomal dominant inheritance. Affected: yes.

NM_018325.5(C9orf72):c.*921C>A

Gene: C9orf72 (C9orf72-SMCR8 complex subunit; minus strand). Cytogenetic location: 9p21.2.
Variant type: single nucleotide variant.
Coding change: c.*921C>A on transcript NM_018325.5 (MANE Select); 921 bases downstream of the stop codon, C replaced by A.
Molecular consequence: 3 prime UTR variant.
Genome position (GRCh38, 1-based): chr9:27,547,315, G>T on the plus strand (C>A on the coding strand, the complement: C9orf72 is on the minus strand). VCF-style: chr9-27547315-G-T. GRCh37 (hg19) VCF-style: chr9-27547313-G-T.
Other names: c.*921C>A (NM_001256054.3).
Identifiers: ClinVar variation 366490 (VCV000366490.6), dbSNP rs3739526, ClinGen allele CA10633426.